The following is an entry in ClinVar:

NM_001371904.1(APOA5):c.84G>C (p.Trp28Cys)

Genes: APOA5 (apolipoprotein A5; minus strand), LOC108491825 (enhancer-blocking element 11-1-2 overlapping APOA5; plus strand). Cytogenetic location: 11q23.3.
Variant type: single nucleotide variant.
Coding change: c.84G>C on transcript NM_001371904.1 (MANE Select); coding-DNA position 84, G replaced by C.
Protein change: p.Trp28Cys; replaces tryptophan 28 with cysteine.
Molecular consequence: missense variant.
Genome position (GRCh38, 1-based): chr11:116,791,663, C>G on the plus strand (G>C on the coding strand, the complement: APOA5 is on the minus strand). VCF-style: chr11-116791663-C-G. GRCh37 (hg19) VCF-style: chr11-116662379-C-G.
Other names: c.84G>C, p.Trp28Cys (NM_001166598.2, NM_052968.5); short protein forms W28C.
Identifiers: ClinVar variation 3710929 (VCV003710929.2).

ClinVar aggregate classification (germline): Uncertain significance (1 of 4 stars; one submission).

Submission:

Labcorp Genetics (formerly Invitae), Labcorp
Classification: Uncertain significance. Last evaluated: 2025-02-09. Review status: criteria provided, single submitter. Criteria: Invitae Variant Classification Sherloc (09022015). Collection method: clinical testing. Allele origin: germline.
Comment: This sequence change replaces tryptophan, which is neutral and slightly polar, with cysteine, which is neutral and slightly polar, at codon 28 of the APOA5 protein (p.Trp28Cys). This variant is present in population databases (no rsID available, gnomAD 0.0009%). This variant has not been reported in the literature in individuals affected with APOA5-related conditions. An algorithm developed to predict the effect of missense changes on protein structure and function (PolyPhen-2) suggests that this variant is likely to be disruptive. In summary, the available evidence is currently insufficient to determine the role of this variant in disease. Therefore, it has been classified as a Variant of Uncertain Significance.